The following is an entry in ClinVar:

NM_004646.4(NPHS1):c.2171C>G (p.Ser724Cys)

Gene: NPHS1 (NPHS1 adhesion molecule, nephrin; minus strand). Cytogenetic location: 19q13.12.
Variant type: single nucleotide variant.
Coding change: c.2171C>G on transcript NM_004646.4 (MANE Select); coding-DNA position 2171, C replaced by G.
Protein change: p.Ser724Cys; replaces serine 724 with cysteine.
Molecular consequence: missense variant.
Genome position (GRCh38, 1-based): chr19:35,844,144, G>C on the plus strand (C>G on the coding strand, the complement: NPHS1 is on the minus strand). VCF-style: chr19-35844144-G-C. GRCh37 (hg19) VCF-style: chr19-36335046-G-C.
Other names: short protein forms S724C.
Identifiers: ClinVar variation 56465 (VCV000056465.2), dbSNP rs386833905, ClinGen allele CA250171.
Genomic context (GRCh38, chr19:35,844,144, plus strand): 5'-CATGGTGGGCGGGGCTCACAGTGCACGTCCAGCCGCAGCCGCGCTTCCGCGGTGCCCTCA[G>C]AGTTCTGGCAGTGCAGCTGATAGAGGCCGTCGTCCGCGCGGGTCACATTCCACAGATGCA-3'
Protein context (NP_004637.1, residues 714-734): DGLYQLHCQN[Ser724Cys]EGTAEARLRL

ClinVar aggregate classification (germline): Likely pathogenic (0 of 4 stars; one submission).

Conditions:
Finnish congenital nephrotic syndrome (NPHS1). Also called: NEPHROTIC SYNDROME, TYPE 1. Identifiers: Orphanet 839, MedGen C0403399, MONDO:0009732, OMIM 256300.

Allele frequency attached by ClinVar (database versions not stated): gnomAD exomes below 0.00001.
gnomAD v4.1: 1 of 1,609,812 alleles (0.000062%); highest among the groups gnomAD compares: Non-Finnish European, 0.000085%; no homozygotes.

Submission:

Juha Muilu Group; Institute for Molecular Medicine Finland (FIMM)
Classification: Likely pathogenic for Finnish congenital nephrotic syndrome. Review status: no assertion criteria provided. Collection method: not provided. Allele origin: unknown.
Comment: FinDis database variant: This variant was not found or characterized by our laboratory, data were collected from public sources: see reference
ClinVar note: Converted during submission from probable-pathogenic to Likely pathogenic.